The following is an entry in ClinVar:

NM_018109.4(MTPAP):c.1546C>G (p.Arg516Gly)

Gene: MTPAP (mitochondrial poly(A) polymerase; minus strand). Cytogenetic location: 10p11.23.
Variant type: single nucleotide variant.
Coding change: c.1546C>G on transcript NM_018109.4 (MANE Select); coding-DNA position 1546, C replaced by G.
Protein change: p.Arg516Gly; replaces arginine 516 with glycine.
Molecular consequence: missense variant.
Genome position (GRCh38, 1-based): chr10:30,313,812, G>C on the plus strand (C>G on the coding strand, the complement: MTPAP is on the minus strand). VCF-style: chr10-30313812-G-C. GRCh37 (hg19) VCF-style: chr10-30602741-G-C.
Other names: short protein forms R516G.
Identifiers: ClinVar variation 1429705 (VCV001429705.6), dbSNP rs773094167, ClinGen allele CA376434509.
Genomic context (GRCh38, chr10:30,313,812, plus strand): 5'-GAGCAGATGGTAGCAATAGGGATACCAGCCCCCAGGGCCGATTACTTGATATGGAAGGTC[G>C]ATCTGTATCTTCCTGTTGTAAAATCCAGGCACTTTCTCGGGCCAAATCTACAAATTTTTG-3'
Protein context (NP_060579.3, residues 506-526): AWILQQEDTD[Arg516Gly]PSISSNRPWG

ClinVar aggregate classification (germline): Uncertain significance (1 of 4 stars; one submission).

gnomAD v4.1: 1 of 1,614,138 alleles (0.000062%); no homozygotes.

Submission:

Labcorp Genetics (formerly Invitae), Labcorp
Classification: Uncertain significance. Last evaluated: 2022-06-17. Review status: criteria provided, single submitter. Criteria: Invitae Variant Classification Sherloc (09022015). Collection method: clinical testing. Allele origin: germline.
Comment: This sequence change replaces arginine, which is basic and polar, with glycine, which is neutral and non-polar, at codon 516 of the MTPAP protein (p.Arg516Gly). In summary, the available evidence is currently insufficient to determine the role of this variant in disease. Therefore, it has been classified as a Variant of Uncertain Significance. Algorithms developed to predict the effect of missense changes on protein structure and function output the following: SIFT: "Tolerated"; PolyPhen-2: "Benign"; Align-GVGD: "Class C0". The glycine amino acid residue is found in multiple mammalian species, which suggests that this missense change does not adversely affect protein function. This variant has not been reported in the literature in individuals affected with MTPAP-related conditions. This variant is present in population databases (no rsID available, gnomAD 0.01%).